The following is an entry in ClinVar:

NM_001290043.2(TAP2):c.608+7G>A

Genes: TAP2 (transporter 2, ATP binding cassette subfamily B member; minus strand), LOC107648851 (meiotic recombination hotspot TAP2; plus strand). Cytogenetic location: 6p21.32.
Variant type: single nucleotide variant.
Coding change: c.608+7G>A on transcript NM_001290043.2 (MANE Select); 7 bases into the intron after coding-DNA position 608, G replaced by A.
Molecular consequence: intron variant.
Genome position (GRCh38, 1-based): chr6:32,837,530, C>T on the plus strand (G>A on the coding strand, the complement: TAP2 is on the minus strand). VCF-style: chr6-32837530-C-T. GRCh37 (hg19) VCF-style: chr6-32805307-C-T.
Other names: p.?; c.608+7G>A (NM_018833.3, NM_000544.3).
Identifiers: ClinVar variation 1169305 (VCV001169305.16), dbSNP rs2071466, ClinGen allele CA3746123.

ClinVar aggregate classification (germline): Benign/Likely benign. Review status: criteria provided, multiple submitters, no conflicts (2 of 4 stars). 5 submissions from 5 submitters: Benign (4); Likely benign (1). Last evaluated 2026-02-04.

Conditions:
MHC class I deficiency. Identifiers: Orphanet 34592, MedGen C6024714, MONDO:0011476.

Allele frequency attached by ClinVar (database versions not stated): 1000 Genomes Project 0.24840; 1000 Genomes Project 30x 0.24891; TOPMed 0.26265; gnomAD 0.26274 and 0.26356; gnomAD exomes 0.26820 and 0.28702; ESP Exome Variant Server 0.27034; ExAC 0.28437.
gnomAD v4.1: 459,284 of 1,612,020 alleles (28%); highest among the groups gnomAD compares: Middle Eastern, 39%; 66,890 homozygotes.

Submissions (5):

Labcorp Genetics (formerly Invitae), Labcorp
Classification: Benign for MHC class I deficiency 1. Last evaluated: 2026-02-04. Review status: criteria provided, single submitter. Criteria: Invitae Variant Classification Sherloc (09022015). Collection method: clinical testing. Allele origin: germline.

Women's Health and Genetics/Laboratory Corporation of America, LabCorp
Classification: Benign. Last evaluated: 2026-01-21. Review status: criteria provided, single submitter. Criteria: LabCorp Variant Classification Summary - May 2015. Collection method: clinical testing. Allele origin: germline.

Blueprint Genetics
Classification: Likely benign. Last evaluated: 2024-11-27. Review status: criteria provided, single submitter. Criteria: ACMG Guidelines, 2015. Collection method: clinical testing. Allele origin: germline.

Genome-Nilou Lab
Classification: Benign for MHC class I deficiency 1. Last evaluated: 2021-07-15. Review status: criteria provided, single submitter. Criteria: ACMG Guidelines, 2015. Collection method: clinical testing. Allele origin: germline. Affected: no.

Mayo Clinic Laboratories, Mayo Clinic
Classification: Benign. Last evaluated: 2018-03-21. Review status: criteria provided, single submitter. Criteria: ACMG Guidelines, 2015. Collection method: clinical testing. Allele origin: germline. Observed: 34 variant alleles.